The following is an entry in ClinVar:

NM_001127222.2(CACNA1A):c.601C>T (p.Arg201Trp)

Gene: CACNA1A (calcium voltage-gated channel subunit alpha1 A; minus strand). Cytogenetic location: 19p13.13.
Variant type: single nucleotide variant.
Coding change: c.601C>T on transcript NM_001127222.2 (MANE Select); coding-DNA position 601, C replaced by T.
Protein change: p.Arg201Trp; replaces arginine 201 with tryptophan.
Molecular consequence: missense variant.
Genome position (GRCh38, 1-based): chr19:13,371,718, G>A on the plus strand (C>T on the coding strand, the complement: CACNA1A is on the minus strand). VCF-style: chr19-13371718-G-A. GRCh37 (hg19) VCF-style: chr19-13482532-G-A.
Other names: c.601C>T, p.Arg201Trp (NM_000068.4, NM_001127221.2, NM_001174080.2 and 1 more transcripts); c.601C>T (NM_001127221.1); short protein forms R201W.
Identifiers: ClinVar variation 1393036 (VCV001393036.9), dbSNP rs2144559282, ClinGen allele CA404350861.

ClinVar aggregate classification (germline): Uncertain significance. Review status: criteria provided, multiple submitters, no conflicts (2 of 4 stars). 2 submissions from 2 submitters: Uncertain significance (2). Last evaluated 2024-11-20.

Conditions:
Developmental and epileptic encephalopathy, 42 (DEE42A). Also called: Epileptic encephalopathy, early infantile, 42; DEVELOPMENTAL AND EPILEPTIC ENCEPHALOPATHY 42A; EPILEPTIC ENCEPHALOPATHY, EARLY INFANTILE, 42A. Identifiers: MedGen C4310716, MONDO:0014917, OMIM 617106.
Episodic ataxia type 2 (EA2). Also called: EPISODIC ATAXIA, NYSTAGMUS-ASSOCIATED; ACETAZOLAMIDE-RESPONSIVE HEREDITARY PAROXYSMAL CEREBELLAR ATAXIA; ATAXIA, EPISODIC, WITH NYSTAGMUS; ATAXIA, FAMILIAL PAROXYSMAL; CEREBELLAR ATAXIA, PAROXYSMAL, ACETAZOLAMIDE-RESPONSIVE; CEREBELLOPATHY, HEREDITARY PAROXYSMAL. Identifiers: Orphanet 97, MedGen C1720416, MONDO:0007163, OMIM 108500.

Submissions (2):

GeneDx
Classification: Uncertain significance. Last evaluated: 2024-11-20. Review status: criteria provided, single submitter. Criteria: GeneDx Variant Classification Process June 2021. Collection method: clinical testing. Allele origin: germline. Affected: yes.
Comment: Identified in a patient with mild intellectual disability who inherited the variant from their unaffected parent (PMID: 34806130); Not observed at significant frequency in large population cohorts (gnomAD); In silico analysis supports that this missense variant has a deleterious effect on protein structure/function; This variant is associated with the following publications: (PMID: 34806130)

Labcorp Genetics (formerly Invitae), Labcorp
Classification: Uncertain significance for Developmental and epileptic encephalopathy, 42; Episodic ataxia type 2. Last evaluated: 2024-03-07. Review status: criteria provided, single submitter. Criteria: Invitae Variant Classification Sherloc (09022015). Collection method: clinical testing. Allele origin: germline.
Comment: This sequence change replaces arginine, which is basic and polar, with tryptophan, which is neutral and slightly polar, at codon 201 of the CACNA1A protein (p.Arg201Trp). This variant is not present in population databases (gnomAD no frequency). This missense change has been observed in individual(s) with mild intellectual disability (PMID: 34806130). ClinVar contains an entry for this variant (Variation ID: 1393036). Advanced modeling of protein sequence and biophysical properties (such as structural, functional, and spatial information, amino acid conservation, physicochemical variation, residue mobility, and thermodynamic stability) performed at Invitae indicates that this missense variant is expected to disrupt CACNA1A protein function with a positive predictive value of 95%. In summary, the available evidence is currently insufficient to determine the role of this variant in disease. Therefore, it has been classified as a Variant of Uncertain Significance.

Literature cited by the submitters: PubMed 34806130 (cited by Labcorp Genetics (formerly Invitae), Labcorp).